The following is an entry in ClinVar:

ClinVar aggregate classification (germline): Uncertain significance. Review status: criteria provided, multiple submitters, no conflicts (2 of 4 stars). 2 submissions from 2 submitters: Uncertain significance (2). Last evaluated 2025-08-25.

Conditions:
Inborn genetic diseases. Identifiers: MedGen C0950123, MeSH D030342.

Allele frequency attached by ClinVar (database versions not stated): gnomAD exomes 0.00001 and 0.00002; ExAC 0.00002; gnomAD 0.00005; ESP Exome Variant Server 0.00008; TOPMed 0.00010; 1000 Genomes Project 0.00040; 1000 Genomes Project 30x 0.00047.
gnomAD v4.1: 13 of 1,609,046 alleles (0.00081%); highest among the groups gnomAD compares: African/African-American, 0.016%; no homozygotes.

Submissions (2):

Ambry Genetics
Classification: Uncertain significance for Inborn genetic diseases. Last evaluated: 2025-08-25. Review status: criteria provided, single submitter. Criteria: Ambry Variant Classification Scheme 2023. Collection method: clinical testing. Allele origin: germline.

Labcorp Genetics (formerly Invitae), Labcorp
Classification: Uncertain significance. Last evaluated: 2024-10-26. Review status: criteria provided, single submitter. Criteria: Invitae Variant Classification Sherloc (09022015). Collection method: clinical testing. Allele origin: germline.
Comment: This sequence change replaces glutamic acid, which is acidic and polar, with lysine, which is basic and polar, at codon 842 of the PDE6C protein (p.Glu842Lys). This variant is present in population databases (rs372346298, gnomAD 0.02%). This variant has not been reported in the literature in individuals affected with PDE6C-related conditions. ClinVar contains an entry for this variant (Variation ID: 1485010). Invitae Evidence Modeling of protein sequence and biophysical properties (such as structural, functional, and spatial information, amino acid conservation, physicochemical variation, residue mobility, and thermodynamic stability) indicates that this missense variant is not expected to disrupt PDE6C protein function with a negative predictive value of 95%. Algorithms developed to predict the effect of sequence changes on RNA splicing suggest that this variant may disrupt the consensus splice site. In summary, the available evidence is currently insufficient to determine the role of this variant in disease. Therefore, it has been classified as a Variant of Uncertain Significance.

NM_006204.4(PDE6C):c.2524G>A (p.Glu842Lys)

Gene: PDE6C (phosphodiesterase 6C; plus strand). Cytogenetic location: 10q23.33.
Variant type: single nucleotide variant.
Coding change: c.2524G>A on transcript NM_006204.4 (MANE Select); coding-DNA position 2524, G replaced by A.
Protein change: p.Glu842Lys; replaces glutamic acid 842 with lysine.
Molecular consequence: missense variant.
Genome position (GRCh38, 1-based): chr10:93,665,365, G>A. VCF-style: chr10-93665365-G-A. GRCh37 (hg19) VCF-style: chr10-95425122-G-A.
Other names: c.2524G>A (NM_006204.3); short protein forms E842K.
Identifiers: ClinVar variation 1485010 (VCV001485010.8), dbSNP rs372346298, ClinGen allele CA5610533.